The following is an entry in ClinVar:

ClinVar aggregate classification (germline): Pathogenic (1 of 4 stars; one submission).

Conditions:
Mitochondrial trifunctional protein deficiency. Identifiers: Orphanet 746, MedGen C1969443, MONDO:0012172.

Submission:

Labcorp Genetics (formerly Invitae), Labcorp
Classification: Pathogenic for Mitochondrial trifunctional protein deficiency. Last evaluated: 2025-10-29. Review status: criteria provided, single submitter. Criteria: Invitae Variant Classification Sherloc (09022015). Collection method: clinical testing. Allele origin: germline.
Comment: This sequence change creates a premature translational stop signal (p.Met393Lysfs*63) in the HADHB gene. While this is not anticipated to result in nonsense mediated decay, it is expected to disrupt the last 82 amino acid(s) of the HADHB protein. This variant is not present in population databases (gnomAD no frequency). This variant has not been reported in the literature in individuals affected with HADHB-related conditions. This variant disrupts a region of the HADHB protein in which other variant(s) (p.Val455Gly) have been determined to be pathogenic (PMID: 19699128, 19880769, 26109258; internal data). This suggests that this is a clinically significant region of the protein, and that variants that disrupt it are likely to be disease-causing. For these reasons, this variant has been classified as Pathogenic.

Literature cited by the submitters: PubMed 19699128; PubMed 19880769; PubMed 26109258.

NM_000183.3(HADHB):c.1177_1178insAA (p.Met393fs)

Gene: HADHB (hydroxyacyl-CoA dehydrogenase trifunctional multienzyme complex subunit beta; plus strand). Cytogenetic location: 2p23.3.
Variant type: Insertion.
Coding change: c.1177_1178insAA on transcript NM_000183.3 (MANE Select); coding-DNA positions 1177 to 1178, AA inserted.
Protein change: p.Met393fs; shifts the reading frame from methionine 393.
Molecular consequence: frameshift variant.
Genome position: GRCh38 VCF-style: chr2-26284909-C-CAA. GRCh37 (hg19) VCF-style: chr2-26507777-C-CAA.
Other names: c.1132_1133insAA, p.Met378fs (NM_001281512.2); c.1111_1112insAA, p.Met371fs (NM_001281513.2); short protein forms M371fs, M378fs, M393fs.
Identifiers: ClinVar variation 4808473 (VCV004808473.1).